The following is an entry in ClinVar:

NM_000069.3(CACNA1S):c.4411G>T (p.Val1471Phe)

Gene: CACNA1S (calcium voltage-gated channel subunit alpha1 S; minus strand). Cytogenetic location: 1q32.1.
Variant type: single nucleotide variant.
Coding change: c.4411G>T on transcript NM_000069.3 (MANE Select); coding-DNA position 4411, G replaced by T.
Protein change: p.Val1471Phe; replaces valine 1471 with phenylalanine.
Molecular consequence: missense variant.
Genome position (GRCh38, 1-based): chr1:201,048,612, C>A on the plus strand (G>T on the coding strand, the complement: CACNA1S is on the minus strand). VCF-style: chr1-201048612-C-A. GRCh37 (hg19) VCF-style: chr1-201017740-C-A.
Other names: c.4411G>T (NM_000069.2); short protein forms V1471F.
Identifiers: ClinVar variation 1051471 (VCV001051471.9), dbSNP rs1304704158, ClinGen allele CA344144661.
Genomic context (GRCh38, chr1:201,048,612, plus strand): 5'-GAGGGGGCTCACATTGGAAGGCACTCTCACCTTCCGTCTTGATCTTGAGTGCCGTGCGGA[C>A]CAGGGCAAAGAGTGTGGCATTGAAGGTGACTGTGCCGTCGCTGTTCAGGGGCATGTTCAT-3'
Protein context (NP_000060.2, residues 1461-1481): VTFNATLFAL[Val1471Phe]RTALKIKTEG

ClinVar aggregate classification (germline): Uncertain significance. Review status: criteria provided, multiple submitters, no conflicts (2 of 4 stars). 4 submissions from 4 submitters: Uncertain significance (4). Last evaluated 2026-07-07.

Conditions:
Inborn genetic diseases. Identifiers: MedGen C0950123, MeSH D030342.
Malignant hyperthermia, susceptibility to, 5 (MHS5). Also called: CACNA1S-Related Malignant Hyperthermia Susceptibility. Identifiers: Orphanet 423, MedGen C1866077, MONDO:0011163, OMIM 601887.
Hypokalemic periodic paralysis, type 1. Also called: Hypokalemic Periodic Paralysis Type 1 (AD); HypoPP. Identifiers: Orphanet 681, MedGen C3714580, MONDO:0042979, OMIM 170400.
Congenital myopathy 18. Also called: Myopathy, congenital, due to dihydropyridine receptor defect; DIHYDROPYRIDINE RECEPTOR CONGENITAL MYOPATHY; DHPR CONGENITAL MYOPATHY. Identifiers: MedGen C5830283, MONDO:0859514, OMIM 620246.
Thyrotoxic periodic paralysis, susceptibility to, 1 (TTPP1). Identifiers: Orphanet 79102, MedGen C2749982, MONDO:0008570, OMIM 188580.

Allele frequency attached by ClinVar (database versions not stated): gnomAD 0.00001; gnomAD exomes below 0.00001; TOPMed 0.00001.
gnomAD v4.1: 2 of 1,613,814 alleles (0.00012%); highest among the groups gnomAD compares: Non-Finnish European, 0.00017%; no homozygotes.

Submissions (4):

Ambry Genetics
Classification: Uncertain significance for Inborn genetic diseases. Last evaluated: 2026-07-07. Review status: criteria provided, single submitter. Criteria: Ambry Variant Classification Scheme 2023. Collection method: clinical testing. Allele origin: germline.
Comment: The p.V1471F variant (also known as c.4411G>T), located in coding exon 36 of the CACNA1S gene, results from a G to T substitution at nucleotide position 4411. The valine at codon 1471 is replaced by phenylalanine, an amino acid with highly similar properties. This amino acid position is conserved. In addition, this alteration is predicted to be deleterious by in silico analysis. Based on the available evidence, the clinical significance of this variant remains unclear.

Color Diagnostics, LLC DBA Color Health
Classification: Uncertain significance for Malignant hyperthermia, susceptibility to, 5. Last evaluated: 2025-06-23. Review status: criteria provided, single submitter. Criteria: ACMG Guidelines, 2015. Collection method: clinical testing. Allele origin: germline.
Comment: This missense variant replaces valine with phenylalanine at codon 1471 of the CACNA1S protein. Computational prediction suggests that this variant may have deleterious impact on protein structure and function. To our knowledge, functional studies have not been reported for this variant. This variant has not been reported in individuals affected with CACNA1S-related disorders in the literature. This variant has been identified in 1/251212 chromosomes in the general population by the Genome Aggregation Database (gnomAD). The available evidence is insufficient to determine the role of this variant in disease conclusively. Therefore, this variant is classified as a Variant of Uncertain Significance.

Fulgent Genetics
Classification: Uncertain significance for Hypokalemic periodic paralysis, type 1; Thyrotoxic periodic paralysis, susceptibility to, 1; Malignant hyperthermia, susceptibility to, 5; Congenital myopathy 18. Last evaluated: 2024-02-26. Review status: criteria provided, single submitter. Criteria: ACMG Guidelines, 2015. Collection method: clinical testing. Allele origin: germline.

Labcorp Genetics (formerly Invitae), Labcorp
Classification: Uncertain significance for Hypokalemic periodic paralysis, type 1; Malignant hyperthermia, susceptibility to, 5. Last evaluated: 2021-08-13. Review status: criteria provided, single submitter. Criteria: Invitae Variant Classification Sherloc (09022015). Collection method: clinical testing. Allele origin: germline.
Comment: This sequence change replaces valine with phenylalanine at codon 1471 of the CACNA1S protein (p.Val1471Phe). The valine residue is highly conserved and there is a small physicochemical difference between valine and phenylalanine. This variant is not present in population databases (ExAC no frequency). This missense change has been observed in individual(s) with clinical features of CACNA1S-related conditions (Invitae). Algorithms developed to predict the effect of missense changes on protein structure and function are either unavailable or do not agree on the potential impact of this missense change (SIFT: "Deleterious"; PolyPhen-2: "Probably Damaging"; Align-GVGD: "Class C0"). In summary, the available evidence is currently insufficient to determine the role of this variant in disease. Therefore, it has been classified as a Variant of Uncertain Significance.